The following is an entry in ClinVar:

ClinVar aggregate classification (germline): Uncertain significance (1 of 4 stars; one submission).

Conditions:
Deafness-lymphedema-leukemia syndrome. Also called: Lymphedema, primary, with myelodysplasia; Emberger syndrome. Identifiers: Orphanet 3226, MedGen C3279664, MONDO:0013540, OMIM 614038.
Monocytopenia with susceptibility to infections. Also called: MONOCYTOPENIA AND MYCOBACTERIAL INFECTION SYNDROME; MONOCYTOPENIA WITH SUSCEPTIBILITY TO MYCOBACTERIAL, FUNGAL, AND PAPILLOMAVIRUS INFECTIONS AND MYELODYSPLASIA; COMBINED IMMUNODEFICIENCY WITH SUSCEPTIBILITY TO MYCOBACTERIAL, VIRAL, AND FUNGAL INFECTIONS; Dendritic cell, monocyte, B lymphocyte, and natural killer lymphocyte deficiency; IMMUNODEFICIENCY 21; GATA2 DEFICIENCY. Identifiers: Orphanet 228423, MedGen C3280030, MONDO:0013607, OMIM 614172.

Submission:

Labcorp Genetics (formerly Invitae), Labcorp
Classification: Uncertain significance for Monocytopenia with susceptibility to infections; Deafness-lymphedema-leukemia syndrome. Last evaluated: 2023-05-09. Review status: criteria provided, single submitter. Criteria: Invitae Variant Classification Sherloc (09022015). Collection method: clinical testing. Allele origin: germline.
Comment: This variant is not present in population databases (gnomAD no frequency). This sequence change replaces tyrosine, which is neutral and polar, with histidine, which is basic and polar, at codon 141 of the GATA2 protein (p.Tyr141His). This variant has not been reported in the literature in individuals affected with GATA2-related conditions. In summary, the available evidence is currently insufficient to determine the role of this variant in disease. Therefore, it has been classified as a Variant of Uncertain Significance. Advanced modeling of protein sequence and biophysical properties (such as structural, functional, and spatial information, amino acid conservation, physicochemical variation, residue mobility, and thermodynamic stability) has been performed at Invitae for this missense variant, however the output from this modeling did not meet the statistical confidence thresholds required to predict the impact of this variant on GATA2 protein function.

NM_032638.5(GATA2):c.421T>C (p.Tyr141His)

Gene: GATA2 (GATA binding protein 2; minus strand). Cytogenetic location: 3q21.3.
Variant type: single nucleotide variant.
Coding change: c.421T>C on transcript NM_032638.5 (MANE Select); coding-DNA position 421, T replaced by C.
Protein change: p.Tyr141His; replaces tyrosine 141 with histidine.
Molecular consequence: missense variant.
Genome position (GRCh38, 1-based): chr3:128,486,177, A>G on the plus strand (T>C on the coding strand, the complement: GATA2 is on the minus strand). VCF-style: chr3-128486177-A-G. GRCh37 (hg19) VCF-style: chr3-128205020-A-G.
Other names: c.421T>C, p.Tyr141His (NM_001145661.2, NM_001145662.1); short protein forms Y141H.
Identifiers: ClinVar variation 2947570 (VCV002947570.3), dbSNP rs2472931571, ClinGen allele CA354406815.